The following is an entry in ClinVar:

NM_000294.3(PHKG2):c.253G>A (p.Ala85Thr)

Gene: PHKG2 (phosphorylase kinase catalytic subunit gamma 2; plus strand). Cytogenetic location: 16p11.2.
Variant type: single nucleotide variant.
Coding change: c.253G>A on transcript NM_000294.3 (MANE Select); coding-DNA position 253, G replaced by A.
Protein change: p.Ala85Thr; replaces alanine 85 with threonine.
Molecular consequence: missense variant.
Genome position (GRCh38, 1-based): chr16:30,751,263, G>A. VCF-style: chr16-30751263-G-A. GRCh37 (hg19) VCF-style: chr16-30762584-G-A.
Other names: p.Ala85Thr; c.253G>A, p.Ala85Thr (NM_001172432.2); short protein forms A85T.
Identifiers: ClinVar variation 538171 (VCV000538171.12), dbSNP rs535265672, ClinGen allele CA8013064.

ClinVar aggregate classification (germline): Uncertain significance. Review status: criteria provided, multiple submitters, no conflicts (2 of 4 stars). 4 submissions from 4 submitters: Uncertain significance (4). Last evaluated 2025-06-10.

Conditions:
Inborn genetic diseases. Identifiers: MedGen C0950123, MeSH D030342.
Glycogen storage disease IXc (GSD9C). Also called: GSD IXc. Identifiers: Orphanet 264580, MedGen C2751643, MONDO:0013091, OMIM 613027.

Allele frequency attached by ClinVar (database versions not stated): gnomAD exomes 0.00004 and 0.00005; ExAC 0.00005; gnomAD 0.00007 and 0.00008; TOPMed 0.00008; 1000 Genomes Project 30x 0.00016; 1000 Genomes Project 0.00020.
gnomAD v4.1: 83 of 1,610,386 alleles (0.0052%); highest among the groups gnomAD compares: Admixed American, 0.027%; no homozygotes.

Submissions (5):

Ambry Genetics
Classification: Uncertain significance for Inborn genetic diseases. Last evaluated: 2025-06-10. Review status: criteria provided, single submitter. Criteria: Ambry Variant Classification Scheme 2023. Collection method: clinical testing. Allele origin: germline.

Mayo Clinic Laboratories, Mayo Clinic
Classification: Uncertain significance. Last evaluated: 2021-12-29. Review status: criteria provided, single submitter. Criteria: ACMG Guidelines, 2015. Collection method: clinical testing. Allele origin: germline.

Labcorp Genetics (formerly Invitae), Labcorp
Classification: Uncertain significance for Glycogen storage disease IXc. Last evaluated: 2021-09-02. Review status: criteria provided, single submitter. Criteria: Invitae Variant Classification Sherloc (09022015). Collection method: clinical testing. Allele origin: germline.
Comment: This sequence change replaces alanine with threonine at codon 85 of the PHKG2 protein (p.Ala85Thr). The alanine residue is highly conserved and there is a small physicochemical difference between alanine and threonine. This variant is present in population databases (rs535265672, ExAC 0.009%). This variant has not been reported in the literature in individuals affected with PHKG2-related conditions. Algorithms developed to predict the effect of missense changes on protein structure and function are either unavailable or do not agree on the potential impact of this missense change (SIFT: "Deleterious"; PolyPhen-2: "Benign"; Align-GVGD: "Class C0"). Algorithms developed to predict the effect of sequence changes on RNA splicing suggest that this variant may create or strengthen a splice site. In summary, the available evidence is currently insufficient to determine the role of this variant in disease. Therefore, it has been classified as a Variant of Uncertain Significance.

Breakthrough Genomics
Classification: Uncertain significance. Review status: criteria provided, single submitter. Criteria: ACMG Guidelines, 2015. Collection method: not provided. Allele origin: germline. Inheritance: Autosomal recessive inheritance. Affected: yes.

Dr. Peter K. Rogan Lab, Western University
No classification provided (evidence only). Condition: Thyroid cancer, nonmedullary, 1. Review status: no classification provided. Collection method: in vitro. Allele origin: not applicable. Functional consequence: retained intron. Not counted in ClinVar's aggregate classification.